The following is an entry in ClinVar:

NM_002860.4(ALDH18A1):c.1001A>G (p.Lys334Arg)

Gene: ALDH18A1 (aldehyde dehydrogenase 18 family member A1; minus strand). Cytogenetic location: 10q24.1.
Variant type: single nucleotide variant.
Coding change: c.1001A>G on transcript NM_002860.4 (MANE Select); coding-DNA position 1001, A replaced by G.
Protein change: p.Lys334Arg; replaces lysine 334 with arginine.
Molecular consequence: missense variant.
Genome position (GRCh38, 1-based): chr10:95,627,519, T>C on the plus strand (A>G on the coding strand, the complement: ALDH18A1 is on the minus strand). VCF-style: chr10-95627519-T-C. GRCh37 (hg19) VCF-style: chr10-97387276-T-C.
Other names: c.995A>G, p.Lys332Arg (NM_001017423.2, NM_001323415.2); c.668A>G, p.Lys223Arg (NM_001323412.2, NM_001323416.2); c.1001A>G, p.Lys334Arg (NM_001323413.2, NM_001323414.2); c.896A>G, p.Lys299Arg (NM_001323417.2); c.662A>G, p.Lys221Arg (NM_001323418.2); c.365A>G, p.Lys122Arg (NM_001323419.2); short protein forms K221R, K334R, K122R, K299R, K223R, K332R.
Identifiers: ClinVar variation 2931307 (VCV002931307.3), dbSNP rs2526827771, ClinGen allele CA377703588.
Genomic context (GRCh38, chr10:95,627,519, plus strand): 5'-GAAAAGAAGGTACCAACTTTCTTCCCCTCCACAATGTCTGTGATGACGTGCCCAGACACC[T>C]TTGGGTGGGTTCCATTGGCAATAACAACAGAAGTGCCACCTTGCAAAGCCCAGAGGGCTG-3'
Protein context (NP_002851.2, residues 324-344): SVVIANGTHP[Lys334Arg]VSGHVITDIV

ClinVar aggregate classification (germline): Uncertain significance (1 of 4 stars; one submission).

Conditions:
Cutis laxa, autosomal dominant 3 (ADCL3). Identifiers: Orphanet 90348, MedGen C4225268, MONDO:0014706, OMIM 616603.
Autosomal dominant spastic paraplegia type 9. Identifiers: MedGen C1832669, MONDO:0015091.
de Barsy syndrome. Also called: Cutis laxa-corneal clouding-oligophrenia syndrome. Identifiers: Orphanet 2962, MedGen C0268354, MONDO:0017569.

Submission:

Labcorp Genetics (formerly Invitae), Labcorp
Classification: Uncertain significance for Autosomal dominant spastic paraplegia type 9; de Barsy syndrome; Cutis laxa, autosomal dominant 3. Last evaluated: 2023-07-14. Review status: criteria provided, single submitter. Criteria: Invitae Variant Classification Sherloc (09022015). Collection method: clinical testing. Allele origin: germline.
Comment: In summary, the available evidence is currently insufficient to determine the role of this variant in disease. Therefore, it has been classified as a Variant of Uncertain Significance. An algorithm developed to predict the effect of missense changes on protein structure and function (PolyPhen-2) suggests that this variant is likely to be disruptive. This variant has not been reported in the literature in individuals affected with ALDH18A1-related conditions. This variant is not present in population databases (gnomAD no frequency). This sequence change replaces lysine, which is basic and polar, with arginine, which is basic and polar, at codon 334 of the ALDH18A1 protein (p.Lys334Arg).